The following is an entry in ClinVar:

ClinVar aggregate classification (germline): Uncertain significance. Review status: criteria provided, multiple submitters, no conflicts (2 of 4 stars). 2 submissions from 2 submitters: Uncertain significance (2). Last evaluated 2024-06-01.

Conditions:
Intellectual developmental disorder, autosomal dominant 1. Also called: Intellectual disability, autosomal dominant 1; MBD5 Haploinsufficiency. Identifiers: Orphanet 228402, MedGen C1969562, MONDO:0007974, OMIM 156200.

Allele frequency attached by ClinVar (database versions not stated): TOPMed below 0.00001; gnomAD exomes 0.00001.
gnomAD v4.1: 4 of 1,613,522 alleles (0.00025%); highest among the groups gnomAD compares: East Asian, 0.0045%; no homozygotes.

Submissions (2):

Labcorp Genetics (formerly Invitae), Labcorp
Classification: Uncertain significance for Intellectual developmental disorder, autosomal dominant 1. Last evaluated: 2024-06-01. Review status: criteria provided, single submitter. Criteria: Invitae Variant Classification Sherloc (09022015). Collection method: clinical testing. Allele origin: germline.
Comment: This sequence change replaces serine, which is neutral and polar, with leucine, which is neutral and non-polar, at codon 287 of the MBD5 protein (p.Ser287Leu). This variant is present in population databases (no rsID available, gnomAD 0.01%). This variant has not been reported in the literature in individuals affected with MBD5-related conditions. ClinVar contains an entry for this variant (Variation ID: 959427). Advanced modeling of protein sequence and biophysical properties (such as structural, functional, and spatial information, amino acid conservation, physicochemical variation, residue mobility, and thermodynamic stability) performed at Invitae indicates that this missense variant is not expected to disrupt MBD5 protein function with a negative predictive value of 80%. In summary, the available evidence is currently insufficient to determine the role of this variant in disease. Therefore, it has been classified as a Variant of Uncertain Significance.

Blueprint Genetics
Classification: Uncertain significance. Last evaluated: 2020-12-10. Review status: criteria provided, single submitter. Criteria: ACMG Guidelines, 2015. Collection method: clinical testing. Allele origin: germline.

NM_001378120.1(MBD5):c.860C>T (p.Ser287Leu)

Gene: MBD5 (methyl-CpG binding domain protein 5; plus strand). Cytogenetic location: 2q23.1.
Variant type: single nucleotide variant.
Coding change: c.860C>T on transcript NM_001378120.1 (MANE Select); coding-DNA position 860, C replaced by T.
Protein change: p.Ser287Leu; replaces serine 287 with leucine.
Molecular consequence: missense variant.
Genome position (GRCh38, 1-based): chr2:148,468,803, C>T. VCF-style: chr2-148468803-C-T. GRCh37 (hg19) VCF-style: chr2-149226372-C-T.
Other names: c.860C>T, p.Ser287Leu (NM_018328.5); short protein forms S287L.
Identifiers: ClinVar variation 959427 (VCV000959427.11), dbSNP rs1411303556, ClinGen allele CA348717868.